The following is an entry in ClinVar:

ClinVar aggregate classification (germline): Benign. Review status: criteria provided, multiple submitters, no conflicts (2 of 4 stars). 2 submissions from 2 submitters: Benign (2). Last evaluated 2017-04-27.

Conditions:
Congenital stationary night blindness 1A (CSNB1A). Also called: Night blindness, congenital stationary (complete), 1A, X-linked; CSNB, COMPLETE, X-LINKED; HEMERALOPIA-MYOPIA; MYOPIA-NIGHT BLINDNESS; NIGHT BLINDNESS, CONGENITAL STATIONARY, WITH MYOPIA; NYX-Related X-Linked Congenital Stationary Night Blindness. Identifiers: Orphanet 215, MedGen C3495587, MONDO:0010690, OMIM 310500.

Allele frequency attached by ClinVar (database versions not stated): TOPMed 0.48007; gnomAD exomes 0.49136; gnomAD 0.50557; 1000 Genomes Project 30x 0.52903; 1000 Genomes Project 0.52927.

Submissions (2):

Illumina Laboratory Services, Illumina
Classification: Benign for Congenital stationary night blindness 1A. Last evaluated: 2017-04-27. Review status: criteria provided, single submitter. Criteria: ICSL Variant Classification Criteria 13 December 2019. Collection method: clinical testing. Allele origin: germline.
Comment: This variant was observed as part of a predisposition screen in an ostensibly healthy population. A literature search was performed for the gene, cDNA change, and amino acid change (where applicable). No publications were found based on this search. Allele frequency data from public databases was too high to be consistent with this variant causing disease. Therefore, this variant is classified as benign.

Breakthrough Genomics
Classification: Benign. Review status: criteria provided, single submitter. Criteria: ACMG Guidelines, 2015. Collection method: not provided. Allele origin: germline. Inheritance: X-linked inheritance. Affected: yes.

NM_001378477.3(NYX):c.*509G>C

Gene: NYX (nyctalopin; plus strand). Cytogenetic location: Xp11.4.
Variant type: single nucleotide variant.
Coding change: c.*509G>C on transcript NM_001378477.3 (MANE Select); 509 bases downstream of the stop codon, G replaced by C.
Molecular consequence: 3 prime UTR variant.
Genome position (GRCh38, 1-based): chrX:41,475,408, G>C. VCF-style: chrX-41475408-G-C. GRCh37 (hg19) VCF-style: chrX-41334661-G-C.
Other names: c.*509G>C (NM_022567.3).
Identifiers: ClinVar variation 368278 (VCV000368278.6), dbSNP rs3021319, ClinGen allele CA10654312.